The following is an entry in ClinVar:

ClinVar aggregate classification (germline): Uncertain significance. Review status: criteria provided, multiple submitters, no conflicts (2 of 4 stars). 2 submissions from 2 submitters: Uncertain significance (2). Last evaluated 2024-08-01.

Conditions:
Cardiovascular phenotype. Identifiers: MedGen CN230736.

Allele frequency attached by ClinVar (database versions not stated): gnomAD exomes below 0.00001.
gnomAD v4.1: 4 of 1,613,960 alleles (0.00025%); highest among the groups gnomAD compares: African/African-American, 0.0013%; no homozygotes.

Submissions (2):

Quest Diagnostics Nichols Institute San Juan Capistrano
Classification: Uncertain significance. Last evaluated: 2024-08-01. Review status: criteria provided, single submitter. Criteria: Quest Diagnostics criteria. Collection method: clinical testing. Allele origin: unknown.
Comment: The APOB c.13293C>A (p.Asn4431Lys) variant has not been reported in individuals with APOB-related conditions in the published literature. It also has not been reported in large, multi-ethnic general populations (Genome Aggregation Database). Analysis of this variant using bioinformatics tools for the prediction of the effect of amino acid changes on protein structure and function yielded predictions that this variant is benign. Based on the available information, we are unable to determine the clinical significance of this variant.

Ambry Genetics
Classification: Uncertain significance for Cardiovascular phenotype. Last evaluated: 2022-04-06. Review status: criteria provided, single submitter. Criteria: Ambry Variant Classification Scheme 2023. Collection method: clinical testing. Allele origin: germline.
Comment: The p.N4431K variant (also known as c.13293C>A), located in coding exon 29 of the APOB gene, results from a C to A substitution at nucleotide position 13293. The asparagine at codon 4431 is replaced by lysine, an amino acid with similar properties. This amino acid position is conserved. In addition, this alteration is predicted to be tolerated by in silico analysis. Since supporting evidence is limited at this time, the clinical significance of this alteration remains unclear.

NM_000384.3(APOB):c.13293C>A (p.Asn4431Lys)

Gene: APOB (apolipoprotein B; minus strand). Cytogenetic location: 2p24.1.
Variant type: single nucleotide variant.
Coding change: c.13293C>A on transcript NM_000384.3 (MANE Select); coding-DNA position 13293, C replaced by A.
Protein change: p.Asn4431Lys; replaces asparagine 4431 with lysine.
Molecular consequence: missense variant.
Genome position (GRCh38, 1-based): chr2:21,002,129, G>T on the plus strand (C>A on the coding strand, the complement: APOB is on the minus strand). VCF-style: chr2-21002129-G-T. GRCh37 (hg19) VCF-style: chr2-21225001-G-T.
Other names: short protein forms N4431K.
Identifiers: ClinVar variation 1770071 (VCV001770071.3), dbSNP rs2465348156, ClinGen allele CA345967800.